The following is an entry in ClinVar:

NM_003676.4(DEGS1):c.252dup (p.Thr85fs)

Gene: DEGS1 (delta 4-desaturase, sphingolipid 1; plus strand). Cytogenetic location: 1q42.11.
Variant type: Duplication.
Coding change: c.252dup on transcript NM_003676.4 (MANE Select); coding-DNA position 252, one base duplicated (G; older notation c.252dupG).
Protein change: p.Thr85fs; shifts the reading frame from threonine 85.
Molecular consequence: frameshift variant.
Genome position (GRCh38, 1-based): chr1:224,189,746, G duplicated. VCF-style (leftmost placement, unchanged base first): chr1-224189745-T-TG. GRCh37 (hg19) VCF-style: chr1-224377447-T-TG.
Other names: c.252dup, p.Thr85fs (NM_001321541.2); c.144dup, p.Thr49fs (NM_001321542.2); short protein forms T49fs, T85fs.
Identifiers: ClinVar variation 1457673 (VCV001457673.6), dbSNP rs2102656066, ClinGen allele CA2573132741.

ClinVar aggregate classification (germline): Pathogenic (1 of 4 stars; one submission).

Submission:

Labcorp Genetics (formerly Invitae), Labcorp
Classification: Pathogenic. Last evaluated: 2025-05-05. Review status: criteria provided, single submitter. Criteria: Invitae Variant Classification Sherloc (09022015). Collection method: clinical testing. Allele origin: germline.
Comment: This sequence change creates a premature translational stop signal (p.Thr85Aspfs*6) in the DEGS1 gene. It is expected to result in an absent or disrupted protein product. Loss-of-function variants in DEGS1 are known to be pathogenic (PMID: 30620337). This variant is not present in population databases (gnomAD no frequency). This variant has not been reported in the literature in individuals affected with DEGS1-related conditions. ClinVar contains an entry for this variant (Variation ID: 1457673). For these reasons, this variant has been classified as Pathogenic.

Literature cited by the submitters: PubMed 30620337.